The following is an entry in ClinVar:

ClinVar aggregate classification (germline): Conflicting classifications of pathogenicity. Review status: criteria provided, conflicting classifications (1 of 4 stars). 3 submissions from 3 submitters: Pathogenic (1); Likely pathogenic (1); Uncertain significance (1). Last evaluated 2024-10-10.

Conditions:
Deficiency of aromatic-L-amino-acid decarboxylase. Also called: Aromatic L-Amino Acid Decarboxylase Deficiency; AADC DEFICIENCY; DDC DEFICIENCY; DOPA DECARBOXYLASE DEFICIENCY; Aromatic amino acid decarboxylase deficiency. Identifiers: Orphanet 35708, MedGen C1291564, MONDO:0012084, OMIM 608643.

Allele frequency attached by ClinVar (database versions not stated): gnomAD 0.00001.
gnomAD v4.1: 5 of 1,613,752 alleles (0.00031%); highest among the groups gnomAD compares: East Asian, 0.0022%; no homozygotes.

Submissions (3):

Labcorp Genetics (formerly Invitae), Labcorp
Classification: Pathogenic for Deficiency of aromatic-L-amino-acid decarboxylase. Last evaluated: 2024-10-10. Review status: criteria provided, single submitter. Criteria: Invitae Variant Classification Sherloc (09022015). Collection method: clinical testing. Allele origin: germline.
Comment: This sequence change replaces arginine, which is basic and polar, with tryptophan, which is neutral and slightly polar, at codon 285 of the DDC protein (p.Arg285Trp). This variant is present in population databases (no rsID available, gnomAD 0.06%). This missense change has been observed in individual(s) with aromatic L-amino acid decarboxylase deficiency (PMID: 17533144). In at least one individual the data is consistent with being in trans (on the opposite chromosome) from a pathogenic variant. It has also been observed to segregate with disease in related individuals. ClinVar contains an entry for this variant (Variation ID: 360433). Invitae Evidence Modeling of protein sequence and biophysical properties (such as structural, functional, and spatial information, amino acid conservation, physicochemical variation, residue mobility, and thermodynamic stability) indicates that this missense variant is expected to disrupt DDC protein function with a positive predictive value of 80%. Experimental studies have shown that this missense change affects DDC function (PMID: 24865461). For these reasons, this variant has been classified as Pathogenic.

Genomic Medicine Center of Excellence, King Faisal Specialist Hospital and Research Centre
Classification: Uncertain significance for Deficiency of aromatic-L-amino-acid decarboxylase. Last evaluated: 2024-03-25. Review status: criteria provided, single submitter. Criteria: ACMG Guidelines, 2015. Collection method: clinical testing. Allele origin: germline.

Juno Genomics, Hangzhou Juno Genomics, Inc
Classification: Likely pathogenic for Deficiency of aromatic-L-amino-acid decarboxylase. Review status: criteria provided, single submitter. Criteria: ACMG Guidelines, 2015. Collection method: clinical testing. Allele origin: germline.
Comment: Absent from controls (or at extremely low frequency if recessive) in Genome Aggregation Database.;For recessive disorders, detected in trans with a pathogenic variant.;Patient's phenotype or family history is highly specific for a disease with a single genetic etiology.;Co-segregation with disease in multiple affected family members.;Well-established in vitro or in vivo functional studies supportive of a damaging effect on the gene or gene product.

Literature cited by the submitters: PubMed 17533144 (cited by Labcorp Genetics (formerly Invitae), Labcorp); PubMed 24865461 (cited by Labcorp Genetics (formerly Invitae), Labcorp).

NM_001082971.2(DDC):c.853C>T (p.Arg285Trp)

Gene: DDC (dopa decarboxylase; minus strand). Cytogenetic location: 7p12.2.
Variant type: single nucleotide variant.
Coding change: c.853C>T on transcript NM_001082971.2 (MANE Select); coding-DNA position 853, C replaced by T.
Protein change: p.Arg285Trp; replaces arginine 285 with tryptophan.
Molecular consequence: missense variant.
Genome position (GRCh38, 1-based): chr7:50,499,171, G>A on the plus strand (C>T on the coding strand, the complement: DDC is on the minus strand). VCF-style: chr7-50499171-G-A. GRCh37 (hg19) VCF-style: chr7-50566869-G-A.
Other names: c.853C>T, p.Arg285Trp (NM_000790.4, NM_001242890.2); c.739C>T, p.Arg247Trp (NM_001242886.2); c.709C>T, p.Arg237Trp (NM_001242887.2); c.619C>T, p.Arg207Trp (NM_001242888.2); c.574C>T, p.Arg192Trp (NM_001242889.2); short protein forms R285W, R207W, R192W, R237W, R247W.
Identifiers: ClinVar variation 360433 (VCV000360433.13), dbSNP rs886062372, ClinGen allele CA10629249.